The following is an entry in ClinVar:

ClinVar aggregate classification (germline): Uncertain significance (1 of 4 stars; one submission).

gnomAD v4.1: 1 of 1,598,688 alleles (0.000063%); highest among the groups gnomAD compares: Admixed American, 0.0017%; no homozygotes.

Submission:

Mayo Clinic Laboratories, Mayo Clinic
Classification: Uncertain significance. Last evaluated: 2025-02-11. Review status: criteria provided, single submitter. Criteria: ACMG Guidelines, 2015. Collection method: clinical testing. Allele origin: germline. Observed: 1 variant allele.
Comment: PP3, PM2_supporting

Literature cited by the submitters: PubMed 31821907.

NM_000312.4(PROC):c.262+5G>C

Gene: PROC (protein C, inactivator of coagulation factors Va and VIIIa; plus strand). Cytogenetic location: 2q14.3.
Variant type: single nucleotide variant.
Coding change: c.262+5G>C on transcript NM_000312.4 (MANE Select); 5 bases into the intron after coding-DNA position 262, G replaced by C.
Molecular consequence: intron variant. On other transcripts: missense variant (1).
Genome position (GRCh38, 1-based): chr2:127,422,946, G>C. VCF-style: chr2-127422946-G-C. GRCh37 (hg19) VCF-style: chr2-128180522-G-C.
Other names: p.?; c.330G>C, p.Glu110Asp (NM_001375606.1); c.262+5G>C (NM_001375611.1, NM_001375605.1, NM_001375608.1 and 1 more transcripts); c.445+5G>C (NM_001375602.1); c.346+5G>C (NM_001375607.1); c.256+5G>C (NM_001375610.1); c.325+5G>C (NM_001375603.1, NM_001375604.1); c.238+5G>C (NM_001375609.1); short protein forms E110D.
Identifiers: ClinVar variation 4540667 (VCV004540667.1).